The following is an entry in ClinVar:

NM_000089.4(COL1A2):c.776G>C (p.Gly259Ala)

Gene: COL1A2 (collagen type I alpha 2 chain; plus strand). Cytogenetic location: 7q21.3.
Variant type: single nucleotide variant.
Coding change: c.776G>C on transcript NM_000089.4 (MANE Select); coding-DNA position 776, G replaced by C.
Protein change: p.Gly259Ala; replaces glycine 259 with alanine.
Molecular consequence: missense variant.
Genome position (GRCh38, 1-based): chr7:94,408,807, G>C. VCF-style: chr7-94408807-G-C. GRCh37 (hg19) VCF-style: chr7-94038119-G-C.
Other names: short protein forms G259A.
Identifiers: ClinVar variation 909660 (VCV000909660.9), dbSNP rs1584318648, ClinGen allele CA368220500.

ClinVar aggregate classification (germline): Conflicting classifications of pathogenicity. Review status: criteria provided, conflicting classifications (1 of 4 stars). 3 submissions from 2 submitters: Likely pathogenic (1); Uncertain significance (2). Last evaluated 2023-01-08.

Conditions:
Osteogenesis imperfecta (OI). Identifiers: Orphanet 666, MedGen C0029434, MeSH D010013, MONDO:0019019.
Ehlers-Danlos syndrome, arthrochalasia type, 2. Also called: EHLERS-DANLOS SYNDROME, TYPE VIIB, AUTOSOMAL DOMINANT. Identifiers: MedGen CN293783, MONDO:0040501, OMIM 617821.
Osteogenesis imperfecta type I (OI1). Also called: Lobstein's Disease; OI, TYPE I; OSTEOGENESIS IMPERFECTA TARDA; OSTEOGENESIS IMPERFECTA WITH BLUE SCLERAE; Osteogenesis imperfecta type 1; Lobstein disease. Identifiers: Orphanet 216796, Orphanet 666, MedGen C0023931, MONDO:0008146, OMIM 166200. Disease mechanism: loss of function.
Ehlers-Danlos syndrome, classic type, 1 (EDSCL1). Also called: Ehlers-Danlos syndrome, type 1; EHLERS-DANLOS SYNDROME, GRAVIS TYPE; EHLERS-DANLOS SYNDROME, SEVERE CLASSIC TYPE; EDS I; Ehlers-Danlos Syndrome, Classic Type, COL5A1-Related. Identifiers: MedGen C0268335, MONDO:0019567, OMIM 130000.

Submissions (3):

Labcorp Genetics (formerly Invitae), Labcorp
Classification: Likely pathogenic for Osteogenesis imperfecta type I; Ehlers-Danlos syndrome, classic type, 1. Last evaluated: 2023-01-08. Review status: criteria provided, single submitter. Criteria: Invitae Variant Classification Sherloc (09022015). Collection method: clinical testing. Allele origin: germline.
Comment: In summary, the currently available evidence indicates that the variant is pathogenic, but additional data are needed to prove that conclusively. Therefore, this variant has been classified as Likely Pathogenic. This variant disrupts the p.Gly259 amino acid residue in COL1A2. Other variant(s) that disrupt this residue have been observed in individuals with COL1A2-related conditions (PMID: 23869235, 30715774), which suggests that this may be a clinically significant amino acid residue. This variant disrupts the triple helix domain of COL1A2. Glycine residues within the Gly-Xaa-Yaa repeats of the triple helix domain are required for the structure and stability of fibrillar collagens (PMID: 7695699, 8218237, 19344236). In COL1A2, variants affecting these glycine residues are significantly enriched in individuals with disease (PMID: 9016532, 17078022) compared to the general population (ExAC). Advanced modeling of protein sequence and biophysical properties (such as structural, functional, and spatial information, amino acid conservation, physicochemical variation, residue mobility, and thermodynamic stability) performed at Invitae indicates that this missense variant is expected to disrupt COL1A2 protein function. ClinVar contains an entry for this variant (Variation ID: 909660). This variant has not been reported in the literature in individuals affected with COL1A2-related conditions. This variant is not present in population databases (gnomAD no frequency). This sequence change replaces glycine, which is neutral and non-polar, with alanine, which is neutral and non-polar, at codon 259 of the COL1A2 protein (p.Gly259Ala).

Illumina Laboratory Services, Illumina
Classification: Uncertain significance for Ehlers-Danlos syndrome, arthrochalasia type, 2. Last evaluated: 2018-01-13. Review status: criteria provided, single submitter. Criteria: ICSL Variant Classification Criteria 13 December 2019. Collection method: clinical testing. Allele origin: germline.

Illumina Laboratory Services, Illumina
Classification: Uncertain significance for Osteogenesis imperfecta. Last evaluated: 2018-01-13. Review status: criteria provided, single submitter. Criteria: ICSL Variant Classification Criteria 13 December 2019. Collection method: clinical testing. Allele origin: germline.

Literature cited by the submitters: PubMed 23869235 (cited by Labcorp Genetics (formerly Invitae), Labcorp); PubMed 30715774 (cited by Labcorp Genetics (formerly Invitae), Labcorp); PubMed 7695699 (cited by Labcorp Genetics (formerly Invitae), Labcorp); PubMed 8218237 (cited by Labcorp Genetics (formerly Invitae), Labcorp); PubMed 19344236 (cited by Labcorp Genetics (formerly Invitae), Labcorp); PubMed 9016532 (cited by Labcorp Genetics (formerly Invitae), Labcorp); PubMed 17078022 (cited by Labcorp Genetics (formerly Invitae), Labcorp).